The following is an entry in ClinVar:

NM_004991.4(MECOM):c.2939G>C (p.Cys980Ser)

Gene: MECOM (MDS1 and EVI1 complex locus; minus strand). Cytogenetic location: 3q26.2.
Variant type: single nucleotide variant.
Coding change: c.2939G>C on transcript NM_004991.4 (MANE Select); coding-DNA position 2939, G replaced by C.
Protein change: p.Cys980Ser; replaces cysteine 980 with serine.
Molecular consequence: missense variant.
Genome position (GRCh38, 1-based): chr3:169,095,156, C>G on the plus strand (G>C on the coding strand, the complement: MECOM is on the minus strand). VCF-style: chr3-169095156-C-G. GRCh37 (hg19) VCF-style: chr3-168812944-C-G.
Other names: c.2570G>C, p.Cys857Ser (NM_001105077.4); c.2375G>C, p.Cys792Ser (NM_001105078.4, NM_001205194.2, NM_001366469.2 and 1 more transcripts); c.2351G>C, p.Cys784Ser (NM_001163999.2, NM_001366470.2); c.2348G>C, p.Cys783Ser (NM_001164000.2, NM_001366471.2, NM_001366472.2); c.2912G>C, p.Cys971Ser (NM_001366466.2); c.2378G>C, p.Cys793Ser (NM_001366467.2, NM_001366468.2); c.1940G>C, p.Cys647Ser (NM_001366473.2); c.1376G>C, p.Cys459Ser (NM_001366474.2); short protein forms C459S, C647S, C783S, C784S, C792S, C793S, C857S, C971S.
Identifiers: ClinVar variation 4859801 (VCV004859801.1).

ClinVar aggregate classification (germline): Uncertain significance (1 of 4 stars; one submission).

Conditions:
Inborn genetic diseases. Identifiers: MedGen C0950123, MeSH D030342.

Submission:

Ambry Genetics
Classification: Uncertain significance for Inborn genetic diseases. Last evaluated: 2026-05-27. Review status: criteria provided, single submitter. Criteria: Ambry Variant Classification Scheme 2023. Collection method: clinical testing. Allele origin: germline.
Comment: The p.C980S variant (also known as c.2939G>C), located in coding exon 13 of the MECOM gene, results from a G to C substitution at nucleotide position 2939. The cysteine at codon 980 is replaced by serine, an amino acid with dissimilar properties. This amino acid position is conserved. In addition, this alteration is predicted to be deleterious by in silico analysis. Based on the available evidence, the clinical significance of this variant remains unclear.